The following is an entry in ClinVar:

NM_002547.3(OPHN1):c.1978G>C (p.Gly660Arg)

Gene: OPHN1 (oligophrenin 1; minus strand). Cytogenetic location: Xq12.
Variant type: single nucleotide variant.
Coding change: c.1978G>C on transcript NM_002547.3 (MANE Select); coding-DNA position 1978, G replaced by C.
Protein change: p.Gly660Arg; replaces glycine 660 with arginine.
Molecular consequence: missense variant.
Genome position (GRCh38, 1-based): chrX:68,064,034, C>G on the plus strand (G>C on the coding strand, the complement: OPHN1 is on the minus strand). VCF-style: chrX-68064034-C-G. GRCh37 (hg19) VCF-style: chrX-67283876-C-G.
Other names: short protein forms G660R.
Identifiers: ClinVar variation 1927718 (VCV001927718.5), dbSNP rs1450703291, ClinGen allele CA413430556.
Genomic context (GRCh38, chrX:68,064,034, plus strand): 5'-CATCCTGCAGCCTAGACACCAACTTCCCCACGTCCACCTCTGGGCAGGGCTCCAACTTGC[C>G]ATCCAAAATAGGCCTGCTTGGGGACTTCCTCCCAGGATCAGTTTCCCCACTCCTCTGAAT-3'
Protein context (NP_002538.1, residues 650-670): RKSPSRPILD[Gly660Arg]KLEPCPEVDV

ClinVar aggregate classification (germline): Uncertain significance (1 of 4 stars; one submission).

Allele frequency attached by ClinVar (database versions not stated): gnomAD exomes 0.00001; TOPMed 0.00001.
gnomAD v4.1: 4 of 1,210,525 alleles (0.00033%); highest among the groups gnomAD compares: Admixed American, 0.0087%; no homozygotes.

Submission:

Labcorp Genetics (formerly Invitae), Labcorp
Classification: Uncertain significance. Last evaluated: 2022-05-16. Review status: criteria provided, single submitter. Criteria: Invitae Variant Classification Sherloc (09022015). Collection method: clinical testing. Allele origin: germline.
Comment: In summary, the available evidence is currently insufficient to determine the role of this variant in disease. Therefore, it has been classified as a Variant of Uncertain Significance. Algorithms developed to predict the effect of missense changes on protein structure and function (SIFT, PolyPhen-2, Align-GVGD) all suggest that this variant is likely to be tolerated. This variant has not been reported in the literature in individuals affected with OPHN1-related conditions. This variant is present in population databases (no rsID available, gnomAD 0.004%), including at least one homozygous and/or hemizygous individual. This sequence change replaces glycine, which is neutral and non-polar, with arginine, which is basic and polar, at codon 660 of the OPHN1 protein (p.Gly660Arg).